The following is an entry in ClinVar:

NM_173842.3(IL1RN):c.133C>T (p.Gln45Ter)

Gene: IL1RN (interleukin 1 receptor antagonist; plus strand). Cytogenetic location: 2q14.1.
Variant type: single nucleotide variant.
Coding change: c.133C>T on transcript NM_173842.3 (MANE Select); coding-DNA position 133, C replaced by T.
Protein change: p.Gln45Ter; replaces glutamine 45 with a stop codon.
Molecular consequence: nonsense.
Genome position (GRCh38, 1-based): chr2:113,129,592, C>T. VCF-style: chr2-113129592-C-T. GRCh37 (hg19) VCF-style: chr2-113887169-C-T.
Other names: c.79C>T, p.Gln27Ter (NM_000577.5); c.31C>T, p.Gln11Ter (NM_001318914.2, NM_001379360.1, NM_173843.3); c.142C>T, p.Gln48Ter (NM_173841.3); short protein forms Q11*, Q27*, Q45*, Q48*.
Identifiers: ClinVar variation 1942385 (VCV001942385.5), dbSNP rs1019766125, ClinGen allele CA53694871.

ClinVar aggregate classification (germline): Pathogenic (1 of 4 stars; one submission).

Conditions:
Sterile multifocal osteomyelitis with periostitis and pustulosis. Also called: CHRONIC RECURRENT MULTIFOCAL OSTEOMYELITIS 2, WITH PERIOSTITIS AND PUSTULOSIS. Identifiers: Orphanet 210115, MedGen C2748507, MONDO:0013021, OMIM 612852.

Allele frequency attached by ClinVar (database versions not stated): gnomAD exomes below 0.00001.
gnomAD v4.1: 3 of 1,610,366 alleles (0.00019%); highest among the groups gnomAD compares: Non-Finnish European, 0.00025%; no homozygotes.

Submission:

Labcorp Genetics (formerly Invitae), Labcorp
Classification: Pathogenic for Sterile multifocal osteomyelitis with periostitis and pustulosis. Last evaluated: 2022-05-21. Review status: criteria provided, single submitter. Criteria: Invitae Variant Classification Sherloc (09022015). Collection method: clinical testing. Allele origin: germline.
Comment: For these reasons, this variant has been classified as Pathogenic. This variant is also known as c.133C>T (p.Q45*) in NM_173842.2. This premature translational stop signal has been observed in individual(s) with clinical features of interleukin 1 receptor antagonist deficiency (PMID: 32819369). This variant is present in population databases (no rsID available, gnomAD 0.007%). This sequence change creates a premature translational stop signal (p.Gln48*) in the IL1RN gene. It is expected to result in an absent or disrupted protein product. Loss-of-function variants in IL1RN are known to be pathogenic (PMID: 19494218, 21792839, 22940634, 26100510).

Literature cited by the submitters: PubMed 32819369; PubMed 19494218; PubMed 21792839; PubMed 22940634; PubMed 26100510.